The following is an entry in ClinVar:

ClinVar aggregate classification (germline): Uncertain significance (1 of 4 stars; one submission).

Conditions:
Birt-Hogg-Dube syndrome. Also called: Birt Hogg Dubé syndrome. Identifiers: Orphanet 122, MedGen C0346010, MONDO:0800444.

Submission:

Labcorp Genetics (formerly Invitae), Labcorp
Classification: Uncertain significance for Birt-Hogg-Dube syndrome. Last evaluated: 2025-06-29. Review status: criteria provided, single submitter. Criteria: Invitae Variant Classification Sherloc (09022015). Collection method: clinical testing. Allele origin: germline.
Comment: This sequence change replaces glycine, which is neutral and non-polar, with valine, which is neutral and non-polar, at codon 334 of the FLCN protein (p.Gly334Val). This variant is not present in population databases (gnomAD no frequency). This variant has not been reported in the literature in individuals affected with FLCN-related conditions. ClinVar contains an entry for this variant (Variation ID: 3666204). Invitae Evidence Modeling of protein sequence and biophysical properties (such as structural, functional, and spatial information, amino acid conservation, physicochemical variation, residue mobility, and thermodynamic stability) indicates that this missense variant is not expected to disrupt FLCN protein function with a negative predictive value of 80%. In summary, the available evidence is currently insufficient to determine the role of this variant in disease. Therefore, it has been classified as a Variant of Uncertain Significance.

NM_144997.7(FLCN):c.1001G>T (p.Gly334Val)

Gene: FLCN (folliculin; minus strand). Cytogenetic location: 17p11.2.
Variant type: single nucleotide variant.
Coding change: c.1001G>T on transcript NM_144997.7 (MANE Select); coding-DNA position 1001, G replaced by T.
Protein change: p.Gly334Val; replaces glycine 334 with valine.
Molecular consequence: missense variant.
Genome position (GRCh38, 1-based): chr17:17,219,080, C>A on the plus strand (G>T on the coding strand, the complement: FLCN is on the minus strand). VCF-style: chr17-17219080-C-A. GRCh37 (hg19) VCF-style: chr17-17122394-C-A.
Other names: c.1001G>T, p.Gly334Val (NM_001353230.2, NM_001353231.2); c.1055G>T, p.Gly352Val (NM_001353229.2); short protein forms G334V, G352V.
Identifiers: ClinVar variation 3666204 (VCV003666204.2).